The following is an entry in ClinVar:

NM_001365276.2(TNXB):c.1380C>G (p.Asp460Glu)

Gene: TNXB (tenascin XB; minus strand). Cytogenetic location: 6p21.33.
Variant type: single nucleotide variant.
Coding change: c.1380C>G on transcript NM_001365276.2 (MANE Select); coding-DNA position 1380, C replaced by G.
Protein change: p.Asp460Glu; replaces aspartic acid 460 with glutamic acid.
Molecular consequence: missense variant.
Genome position (GRCh38, 1-based): chr6:32,096,473, G>C on the plus strand (C>G on the coding strand, the complement: TNXB is on the minus strand). VCF-style: chr6-32096473-G-C. GRCh37 (hg19) VCF-style: chr6-32064250-G-C.
Other names: c.1380C>G, p.Asp460Glu (NM_001428335.1, NM_019105.8); c.1380C>G (NM_019105.6); short protein forms D460E.
Identifiers: ClinVar variation 4526272 (VCV004526272.2).

ClinVar aggregate classification (germline): Uncertain significance. Review status: criteria provided, multiple submitters, no conflicts (2 of 4 stars). 2 submissions from 2 submitters: Uncertain significance (2). Last evaluated 2025-12-02.

Conditions:
Cardiovascular phenotype. Identifiers: MedGen CN230736.

gnomAD v4.1: 13 of 1,600,194 alleles (0.00081%); highest among the groups gnomAD compares: African/African-American, 0.0013%; no homozygotes.

Submissions (2):

Ambry Genetics
Classification: Uncertain significance for Cardiovascular phenotype. Last evaluated: 2025-12-02. Review status: criteria provided, single submitter. Criteria: Ambry Variant Classification Scheme 2023. Collection method: clinical testing. Allele origin: germline.
Comment: The p.D460E variant (also known as c.1380C>G), located in coding exon 2 of the TNXB gene, results from a C to G substitution at nucleotide position 1380. The aspartic acid at codon 460 is replaced by glutamic acid, an amino acid with highly similar properties. This amino acid position is conserved. In addition, this alteration is predicted to be tolerated by in silico analysis. Based on the available evidence, the clinical significance of this variant remains unclear.

Women's Health and Genetics/Laboratory Corporation of America, LabCorp
Classification: Uncertain significance. Last evaluated: 2025-07-23. Review status: criteria provided, single submitter. Criteria: LabCorp Variant Classification Summary - May 2015. Collection method: clinical testing. Allele origin: germline.
Comment: Variant summary: TNXB c.1380C>G (p.Asp460Glu) results in a conservative amino acid change in the encoded protein sequence. Algorithms developed to predict the effect of missense changes on protein structure and function all suggest that this variant is likely to be tolerated. The frequency data for this variant in gnomAD is considered unreliable, as metrics indicate poor data quality at this position. To our knowledge, no occurrence of c.1380C>G in individuals affected with Ehlers-Danlos syndrome due to tenascin-X deficiency and no experimental evidence demonstrating its impact on protein function have been reported. No submitters have cited clinical-significance assessments for this variant to ClinVar. Based on the evidence outlined above, the variant was classified as uncertain significance.